The following is an entry in ClinVar:

ClinVar aggregate classification (germline): Uncertain significance (1 of 4 stars; one submission).

gnomAD v4.1: 1 of 1,614,180 alleles (0.000062%); highest among the groups gnomAD compares: Non-Finnish European, 0.000085%; no homozygotes.

Submission:

Dasa
Classification: Uncertain significance. Last evaluated: 2025-02-20. Review status: criteria provided, single submitter. Criteria: DASA Assertion Criteria. Collection method: clinical testing. Allele origin: germline.
Comment: NM_004958.4(MTOR):c.4622A>G (p.His1541Arg) is a missense variant that results in the substitution of histidine with arginine. This variant is rare in population databases. The currently available literature and clinical evidence are not sufficient to establish a definitive association between this variant and the reported condition. Therefore, this variant is classified as a variant of uncertain significance.

NM_004958.4(MTOR):c.4622A>G (p.His1541Arg)

Genes: MTOR (mechanistic target of rapamycin kinase; minus strand), MTOR-AS1 (MTOR antisense RNA 1; plus strand). Cytogenetic location: 1p36.22.
Variant type: single nucleotide variant.
Coding change: c.4622A>G on transcript NM_004958.4 (MANE Select); coding-DNA position 4622, A replaced by G.
Protein change: p.His1541Arg; replaces histidine 1541 with arginine.
Molecular consequence: missense variant.
Genome position (GRCh38, 1-based): chr1:11,146,740, T>C on the plus strand (A>G on the coding strand, the complement: MTOR is on the minus strand). VCF-style: chr1-11146740-T-C. GRCh37 (hg19) VCF-style: chr1-11206797-T-C.
Other names: c.4622A>G, p.His1541Arg (NM_001386500.1); c.3374A>G, p.His1125Arg (NM_001386501.1); short protein forms H1125R, H1541R.
Identifiers: ClinVar variation 4885245 (VCV004885245.2).